The following is an entry in ClinVar:

ClinVar aggregate classification (germline): Uncertain significance (1 of 4 stars; one submission).

Allele frequency attached by ClinVar (database versions not stated): gnomAD 0.00001; gnomAD exomes 0.00001; ExAC 0.00002; TOPMed 0.00002.
gnomAD v4.1: 18 of 1,614,044 alleles (0.0011%); highest among the groups gnomAD compares: Middle Eastern, 0.016%; no homozygotes.

Submissions (3):

Labcorp Genetics (formerly Invitae), Labcorp
Classification: Uncertain significance. Last evaluated: 2021-11-11. Review status: criteria provided, single submitter. Criteria: Invitae Variant Classification Sherloc (09022015). Collection method: clinical testing. Allele origin: germline.
Comment: In summary, the available evidence is currently insufficient to determine the role of this variant in disease. Therefore, it has been classified as a Variant of Uncertain Significance. Experimental studies and prediction algorithms are not available or were not evaluated, and the effect of this variant on mRNA splicing is currently unknown. Algorithms developed to predict the effect of missense changes on protein structure and function are either unavailable or do not agree on the potential impact of this missense change (SIFT: "Not Available"; PolyPhen-2: "Benign"; Align-GVGD: "Not Available"). ClinVar contains an entry for this variant (Variation ID: 356869). This variant has not been reported in the literature in individuals affected with POLR1C-related conditions. This variant is present in population databases (rs745593101, gnomAD 0.01%). This sequence change replaces asparagine, which is neutral and polar, with serine, which is neutral and polar, at codon 23 of the POLR1C protein (p.Asn23Ser).

Dr. Peter K. Rogan Lab, Western University
No classification provided (evidence only). Condition: Familial cancer of breast. Review status: no classification provided. Collection method: in vitro. Allele origin: not applicable. Functional consequence: retained intron. Not counted in ClinVar's aggregate classification.

Dr. Peter K. Rogan Lab, Western University
No classification provided (evidence only). Condition: Malignant tumor of esophagus. Review status: no classification provided. Collection method: in vitro. Allele origin: not applicable. Functional consequence: retained intron. Not counted in ClinVar's aggregate classification.

NM_203290.4(POLR1C):c.68A>G (p.Asn23Ser)

Genes: POLR1C (RNA polymerase I and III subunit C; plus strand), LOC129996517 (ATAC-STARR-seq lymphoblastoid active region 24602; plus strand). Cytogenetic location: 6p21.1.
Variant type: single nucleotide variant.
Coding change: c.68A>G on transcript NM_203290.4 (MANE Select); coding-DNA position 68, A replaced by G.
Protein change: p.Asn23Ser; replaces asparagine 23 with serine.
Molecular consequence: missense variant.
Genome position (GRCh38, 1-based): chr6:43,517,177, A>G. VCF-style: chr6-43517177-A-G. GRCh37 (hg19) VCF-style: chr6-43484915-A-G.
Other names: c.68A>G, p.Asn23Ser (NM_001318876.2, NM_001363658.2); short protein forms N23S.
Identifiers: ClinVar variation 356869 (VCV000356869.13), dbSNP rs745593101, ClinGen allele CA3825286.